The following is an entry in ClinVar:

NM_015404.4(WHRN):c.1143G>C (p.Arg381Ser)

Gene: WHRN (whirlin; minus strand). Cytogenetic location: 9q32.
Variant type: single nucleotide variant.
Coding change: c.1143G>C on transcript NM_015404.4 (MANE Select); coding-DNA position 1143, G replaced by C.
Protein change: p.Arg381Ser; replaces arginine 381 with serine.
Molecular consequence: missense variant. On other transcripts: 5 prime UTR variant (1).
Genome position (GRCh38, 1-based): chr9:114,426,234, C>G on the plus strand (G>C on the coding strand, the complement: WHRN is on the minus strand). VCF-style: chr9-114426234-C-G. GRCh37 (hg19) VCF-style: chr9-117188514-C-G.
Other names: c.-7G>C (NM_001083885.3); c.1143G>C, p.Arg381Ser (NM_001173425.2); short protein forms R381S.
Identifiers: ClinVar variation 1010617 (VCV001010617.8), dbSNP rs748279121, ClinGen allele CA5206072.

ClinVar aggregate classification (germline): Uncertain significance (1 of 4 stars; one submission).

Allele frequency attached by ClinVar (database versions not stated): TOPMed below 0.00001; ExAC 0.00002.
gnomAD v4.1: 5 of 1,612,470 alleles (0.00031%); highest among the groups gnomAD compares: East Asian, 0.011%; no homozygotes.

Submission:

Labcorp Genetics (formerly Invitae), Labcorp
Classification: Uncertain significance. Last evaluated: 2020-03-17. Review status: criteria provided, single submitter. Criteria: Invitae Variant Classification Sherloc (09022015). Collection method: clinical testing. Allele origin: germline.
Comment: This sequence change replaces arginine with serine at codon 381 of the WHRN protein (p.Arg381Ser). The arginine residue is weakly conserved and there is a moderate physicochemical difference between arginine and serine. This variant is present in population databases (rs748279121, ExAC 0.03%). This variant has not been reported in the literature in individuals with WHRN-related conditions. In summary, the available evidence is currently insufficient to determine the role of this variant in disease. Therefore, it has been classified as a Variant of Uncertain Significance. Algorithms developed to predict the effect of missense changes on protein structure and function are either unavailable or do not agree on the potential impact of this missense change (SIFT: "Tolerated"; PolyPhen-2: "Benign"; Align-GVGD: "Class C0").